The following is an entry in ClinVar:

ClinVar aggregate classification (germline): Uncertain significance (1 of 4 stars; one submission).

gnomAD v4.1: 1 of 1,613,530 alleles (0.000062%); highest among the groups gnomAD compares: Non-Finnish European, 0.000085%; no homozygotes.

Submission:

GeneDx
Classification: Uncertain significance. Last evaluated: 2019-09-26. Review status: criteria provided, single submitter. Criteria: GeneDx Variant Classification Process June 2021. Collection method: clinical testing. Allele origin: germline. Affected: yes.
Comment: Not observed at a significant frequency in large population cohorts (Lek et al., 2016); In silico analysis, which includes protein predictors and evolutionary conservation, supports a deleterious effect; Has not been previously published as pathogenic or benign to our knowledge

NM_178335.3(CCDC50):c.394C>T (p.Pro132Ser)

Gene: CCDC50 (coiled-coil domain containing 50; plus strand). Cytogenetic location: 3q28.
Variant type: single nucleotide variant.
Coding change: c.394C>T on transcript NM_178335.3 (MANE Select); coding-DNA position 394, C replaced by T.
Protein change: p.Pro132Ser; replaces proline 132 with serine.
Molecular consequence: missense variant.
Genome position (GRCh38, 1-based): chr3:191,369,982, C>T. VCF-style: chr3-191369982-C-T. GRCh37 (hg19) VCF-style: chr3-191087771-C-T.
Other names: c.394C>T, p.Pro132Ser (NM_174908.4); short protein forms P132S.
Identifiers: ClinVar variation 1308915 (VCV001308915.2), dbSNP rs376944531, ClinGen allele CA355762949.